The following is an entry in ClinVar:

ClinVar aggregate classification (germline): Likely pathogenic. Review status: criteria provided, multiple submitters, no conflicts (2 of 4 stars). 4 submissions from 4 submitters: Likely pathogenic (3). 1 of the submissions does not count toward it. Last evaluated 2025-12-16.

Conditions:
Amyotrophic lateral sclerosis type 22 (FTDALS9). Also called: FRONTOTEMPORAL DEMENTIA AND/OR AMYOTROPHIC LATERAL SCLEROSIS 9; Amyotrophic lateral sclerosis 22 with or without frontotemporal dementia. Identifiers: Orphanet 803, MedGen C4015512, MONDO:0014531, OMIM 616208.
Spastic ataxia 11, autosomal dominant. Identifiers: MedGen C6012733, MONDO:0979230, OMIM 621226.

Submissions (4):

Institute of Medical Genetics and Applied Genomics, University Hospital Tübingen
Classification: Likely pathogenic for Spastic ataxia 11, autosomal dominant. Last evaluated: 2025-12-16. Review status: criteria provided, single submitter. Criteria: ACMG Guidelines, 2015. Collection method: clinical testing. Allele origin: germline. Inheritance: Autosomal dominant inheritance. Affected: yes.

Variantyx, Inc.
Classification: Likely pathogenic for Amyotrophic lateral sclerosis type 22. Last evaluated: 2025-07-18. Review status: criteria provided, single submitter. Criteria: Variantyx Assertion Criteria 2022. Collection method: clinical testing. Allele origin: germline. Inheritance: Autosomal dominant inheritance. Affected: yes.
Comment: This is a nonsynonymous variant in the TUBA4A gene (OMIM: 191110). Pathogenic variants in this gene have been associated with autosomal dominant Frontotemporal dementia and/or amyotrophic lateral sclerosis 9. This variant has been reported in at least 10 unrelated affected individuals (PMID: 34169147, 38884572) (PS4_Moderate), and it has been observed to segregate with disease in at least 8 individuals from one family with a phenotype of FTD (PMID: 34169147) (PP1). Functional studies have shown that this variant alters TUBA4A protein function (PMID: 34169147) (PS3_Moderate), and multiple computational algorithms predict a deleterious effect for this variant (REVEL score: 0.848) (PP3_Moderate). This variant is absent from control populations (PM2_Supporting). Based on the current evidence, this variant is classified as likely pathogenic for autosomal dominant Frontotemporal dementia and/or amyotrophic lateral sclerosis 9.

GeneDx
Classification: Likely pathogenic. Last evaluated: 2024-04-03. Review status: criteria provided, single submitter. Criteria: GeneDx Variant Classification Process June 2021. Collection method: clinical testing. Allele origin: germline. Affected: yes.
Comment: Published functional studies suggest a damaging effect on protein abundance and microtubule repolymerization (PMID: 34169147); In silico analysis supports that this missense variant has a deleterious effect on protein structure/function; Not observed at significant frequency in large population cohorts (gnomAD); This variant is associated with the following publications: (PMID: 32843152, 34169147)

OMIM
Classification: Pathogenic for FRONTOTEMPORAL DEMENTIA AND/OR AMYOTROPHIC LATERAL SCLEROSIS 9. Last evaluated: 2025-06-06. Review status: no assertion criteria provided. Collection method: literature only. Allele origin: germline. Not counted in ClinVar's aggregate classification.

Literature cited by the submitters: PubMed 34169147 (cited by Variantyx, Inc. and OMIM); PubMed 38884572 (cited by Variantyx, Inc. and OMIM).

NM_006000.3(TUBA4A):c.313C>T (p.Arg105Cys)

Genes: TUBA4A (tubulin alpha 4a; minus strand), STK16 (serine/threonine kinase 16; plus strand), TUBA4B (tubulin alpha 4b; plus strand). Cytogenetic location: 2q35.
Variant type: single nucleotide variant.
Coding change: c.313C>T on transcript NM_006000.3 (MANE Select); coding-DNA position 313, C replaced by T.
Protein change: p.Arg105Cys; replaces arginine 105 with cysteine.
Molecular consequence: missense variant.
Genome position (GRCh38, 1-based): chr2:219,251,627, G>A on the plus strand (C>T on the coding strand, the complement: TUBA4A is on the minus strand). VCF-style: chr2-219251627-G-A. GRCh37 (hg19) VCF-style: chr2-220116349-G-A.
Other names: c.268C>T, p.Arg90Cys (NM_001278552.2); short protein forms R105C, R90C.
Identifiers: ClinVar variation 2578200 (VCV002578200.4), dbSNP rs2544995427, ClinGen allele CA350729878.